The following is an entry in ClinVar:

ClinVar aggregate classification (germline): Conflicting classifications of pathogenicity. Review status: criteria provided, conflicting classifications (1 of 4 stars). 8 submissions from 7 submitters: Uncertain significance (1); Benign (5); Likely benign (1). 1 of the submissions does not count toward it. Last evaluated 2026-02-02.

Conditions:
Usher syndrome type 1 (USH1). Also called: RETINITIS PIGMENTOSA AND CONGENITAL DEAFNESS. Identifiers: Orphanet 231169, Orphanet 886, MedGen C1568247, MONDO:0010168, OMIM 276900.
Autosomal recessive nonsyndromic hearing loss 12. Also called: DEAFNESS, AUTOSOMAL RECESSIVE 12. Identifiers: Orphanet 90636, MedGen C1832394, MONDO:0011067, OMIM 601386.
Usher syndrome type 1D (USH1D). Also called: USHER SYNDROME, TYPE ID. Identifiers: Orphanet 231169, Orphanet 886, MedGen C1832845, MONDO:0010984, OMIM 601067.

Allele frequency attached by ClinVar (database versions not stated): gnomAD exomes 0.00061 and 0.00168; ExAC 0.00247; gnomAD 0.00682 and 0.00732; ESP Exome Variant Server 0.00693; 1000 Genomes Project 0.00699; TOPMed 0.00711; 1000 Genomes Project 30x 0.00765.
gnomAD v4.1: 1,998 of 1,611,752 alleles (0.12%); highest among the groups gnomAD compares: African/African-American, 2.3%; 24 homozygotes.

Submissions (8):

Labcorp Genetics (formerly Invitae), Labcorp
Classification: Benign. Last evaluated: 2026-02-02. Review status: criteria provided, single submitter. Criteria: Invitae Variant Classification Sherloc (09022015). Collection method: clinical testing. Allele origin: germline.

Women's Health and Genetics/Laboratory Corporation of America, LabCorp
Classification: Benign. Last evaluated: 2026-01-26. Review status: criteria provided, single submitter. Criteria: LabCorp Variant Classification Summary - May 2015. Collection method: clinical testing. Allele origin: germline.
Comment: Variant summary: CDH23 c.3364T>G (p.Leu1122Val) results in a conservative amino acid change in the encoded protein sequence. Algorithms developed to predict the effect of missense changes on protein structure and function are either unavailable or do not agree on the potential impact of this missense change. The variant allele was found at a frequency of 0.0017 in 242938 control chromosomes, predominantly at a frequency of 0.025 within the African or African-American subpopulation in the gnomAD database, including 8 homozygotes. The observed variant frequency within African or African-American control individuals in the gnomAD database exceeds the estimated maximal expected allele frequency for disease-causing variants in CDH23. To our knowledge, no occurrence of c.3364T>G in individuals affected with CDH23-related conditions and no experimental evidence demonstrating its impact on protein function have been reported. ClinVar contains an entry for this variant (Variation ID: 45917). Based on the evidence outlined above, the variant was classified as benign.

ARUP Laboratories, Molecular Genetics and Genomics, ARUP Laboratories
Classification: Benign. Last evaluated: 2023-09-22. Review status: criteria provided, single submitter. Criteria: ARUP Molecular Germline Variant Investigation Process 2024. Collection method: clinical testing. Allele origin: germline.

GeneDx
Classification: Benign. Last evaluated: 2019-06-24. Review status: criteria provided, single submitter. Criteria: GeneDx Variant Classification Process June 2021. Collection method: clinical testing. Allele origin: germline. Affected: yes.

Illumina Laboratory Services, Illumina
Classification: Likely benign for Usher syndrome type 1D. Last evaluated: 2018-01-12. Review status: criteria provided, single submitter. Criteria: ICSL Variant Classification Criteria 13 December 2019. Collection method: clinical testing. Allele origin: germline.
Comment: This variant was observed in the ICSL laboratory as part of a predisposition screen in an ostensibly healthy population. It had not been previously curated by ICSL or reported in the Human Gene Mutation Database (HGMD: prior to June 1st, 2018), and was therefore a candidate for classification through an automated scoring system. Utilizing variant allele frequency, disease prevalence and penetrance estimates, and inheritance mode, an automated score was calculated to assess if this variant is too frequent to cause the disease. Based on the score and internal cut-off values, a variant classified as likely benign is not then subjected to further curation. The score for this variant resulted in a classification of likely benign for this disease.

Illumina Laboratory Services, Illumina
Classification: Uncertain significance for Autosomal recessive nonsyndromic hearing loss 12. Last evaluated: 2018-01-12. Review status: criteria provided, single submitter. Criteria: ICSL Variant Classification Criteria 13 December 2019. Collection method: clinical testing. Allele origin: germline.

Laboratory for Molecular Medicine, Mass General Brigham Personalized Medicine
Classification: Benign. Last evaluated: 2010-12-17. Review status: criteria provided, single submitter. Criteria: LMM Criteria. Collection method: clinical testing. Allele origin: germline. Observed: 7 variant alleles.
Comment: Leu1122Val in exon 28 of CDH23: This variant has been reported in 5/50 (10%) of control chromosomes from the Black population in dbSNP (rs77821631). In addition , this residue is not highly conserved across species. Of note, most other speci es have a valine at this position. In summary, this variant is not expected to h ave clinical significance.

Natera, Inc.
Classification: Likely benign for Usher syndrome type 1. Last evaluated: 2019-12-03. Review status: no assertion criteria provided. Collection method: clinical testing. Allele origin: germline. Not counted in ClinVar's aggregate classification.

NM_022124.6(CDH23):c.3364T>G (p.Leu1122Val)

Genes: C10orf105 (chromosome 10 open reading frame 105; minus strand), CDH23 (cadherin related 23; plus strand). Cytogenetic location: 10q22.1.
Variant type: single nucleotide variant.
Coding change: c.3364T>G on transcript NM_022124.6 (MANE Select); coding-DNA position 3364, T replaced by G.
Protein change: p.Leu1122Val; replaces leucine 1122 with valine.
Molecular consequence: missense variant. On other transcripts: 3 prime UTR variant (2).
Genome position (GRCh38, 1-based): chr10:71,712,808, T>G. VCF-style: chr10-71712808-T-G. GRCh37 (hg19) VCF-style: chr10-73472565-T-G.
Other names: c.*3128A>C (NM_001168390.2, NM_001164375.3); c.3364T>G, p.Leu1122Val (NM_001171930.2); short protein forms L1122V.
Identifiers: ClinVar variation 45917 (VCV000045917.29), dbSNP rs77821631, ClinGen allele CA137372.